The following is an entry in ClinVar:

NM_000132.4(F8):c.670+1G>A

Gene: F8 (coagulation factor VIII; minus strand). Cytogenetic location: Xq28.
Variant type: single nucleotide variant.
Coding change: c.670+1G>A on transcript NM_000132.4 (MANE Select); the canonical splice donor site of the intron after coding-DNA position 670, G replaced by A.
Molecular consequence: splice donor variant.
Genome position (GRCh38, 1-based): chrX:154,987,236, C>T on the plus strand (G>A on the coding strand, the complement: F8 is on the minus strand). VCF-style: chrX-154987236-C-T. GRCh37 (hg19) VCF-style: chrX-154215511-C-T.
Identifiers: ClinVar variation 3600626 (VCV003600626.2).

ClinVar aggregate classification (germline): Pathogenic. Review status: criteria provided, multiple submitters, no conflicts (2 of 4 stars). 2 submissions from 2 submitters: Pathogenic (2). Last evaluated 2024-07-26.

Submissions (2):

GeneDx
Classification: Pathogenic. Last evaluated: 2024-07-26. Review status: criteria provided, single submitter. Criteria: GeneDx Variant Classification Process June 2021. Collection method: clinical testing. Allele origin: germline. Affected: yes.
Comment: Canonical splice site variant predicted to result in a null allele in a gene for which loss of function is a known mechanism of disease (PMID: 31649737); Not observed at significant frequency in large population cohorts (gnomAD); This variant is associated with the following publications: (PMID: 29399993, 31649737, 38312175, 32026663)

ARUP Laboratories, Molecular Genetics and Genomics, ARUP Laboratories
Classification: Pathogenic. Last evaluated: 2024-04-23. Review status: criteria provided, single submitter. Criteria: ARUP Molecular Germline Variant Investigation Process 2024. Collection method: clinical testing. Allele origin: germline.
Comment: The F8 c.670+1G>A variant (rs2073563646) is reported in the literature in several individuals affected with severe hemophilia A (Spena 2018, F8 database and references therein). This variant is absent from the Genome Aggregation Database (v2.1.1), indicating it is not a common polymorphism. This variant disrupts the canonical splice donor site of intron 5, which is likely to negatively impact gene function. Indeed, functional analyses suggest the variant leads to aberrant splicing (Balenstra 2019). Based on available information, this variant is considered to be pathogenic. References: Link to F8 database: Balestra D et al. An Altered Splicing Registry Explains the Differential ExSpeU1-Mediated Rescue of Splicing Mutations Causing Haemophilia A. Front Genet. 2019 Oct 10;10:974. PMID: 31649737. Spena S et al. Prediction of factor VIII inhibitor development in the SIPPET cohort by mutational analysis and factor VIII antigen measurement. J Thromb Haemost. 2018 Apr;16(4):778-790. PMID: 29399993.